The following is an entry in ClinVar:

ClinVar aggregate classification (germline): Uncertain significance (1 of 4 stars; one submission).

Conditions:
Spinocerebellar ataxia, autosomal recessive, with axonal neuropathy 2 (SCAN2). Also called: ATAXIA-OCULOMOTOR APRAXIA 2; Ataxia with Oculomotor Apraxia; Ataxia-ocular apraxia-2; Ataxia with Oculomotor Apraxia Type 2. Identifiers: Orphanet 64753, MedGen C1853761, MONDO:0018996, OMIM 606002.
Amyotrophic lateral sclerosis type 4 (ALS4). Also called: AMYOTROPHIC LATERAL SCLEROSIS 4, JUVENILE; NEURONOPATHY, DISTAL HEREDITARY MOTOR, WITH PYRAMIDAL FEATURES. Identifiers: Orphanet 357043, MedGen C1865409, MONDO:0011223, OMIM 602433.

gnomAD v4.1: 2 of 1,614,182 alleles (0.00012%); highest among the groups gnomAD compares: Non-Finnish European, 0.00017%; no homozygotes.

Submission:

Labcorp Genetics (formerly Invitae), Labcorp
Classification: Uncertain significance for Amyotrophic lateral sclerosis type 4; Spinocerebellar ataxia, autosomal recessive, with axonal neuropathy 2. Last evaluated: 2026-01-19. Review status: criteria provided, single submitter. Criteria: Invitae Variant Classification Sherloc (09022015). Collection method: clinical testing. Allele origin: germline.
Comment: This sequence change replaces threonine, which is neutral and polar, with alanine, which is neutral and non-polar, at codon 8 of the SETX protein (p.Thr8Ala). This variant is not present in population databases (gnomAD no frequency). This variant has not been reported in the literature in individuals affected with SETX-related conditions. Invitae Evidence Modeling of protein sequence and biophysical properties (such as structural, functional, and spatial information, amino acid conservation, physicochemical variation, residue mobility, and thermodynamic stability) has been performed for this missense variant. However, the output from this modeling did not meet the statistical confidence thresholds required to predict the impact of this variant on SETX protein function. This variant disrupts the p.Thr8 amino acid residue in SETX. Other variant(s) that disrupt this residue have been determined to be pathogenic (PMID: 32536663, 33057194, 34922620; internal data). This suggests that this residue is clinically significant, and that variants that disrupt this residue are likely to be disease-causing. In summary, the available evidence is currently insufficient to determine the role of this variant in disease. Therefore, it has been classified as a Variant of Uncertain Significance.

Literature cited by the submitters: PubMed 32536663; PubMed 33057194; PubMed 34922620.

NM_015046.7(SETX):c.22A>G (p.Thr8Ala)

Gene: SETX (senataxin; minus strand). Cytogenetic location: 9q34.13.
Variant type: single nucleotide variant.
Coding change: c.22A>G on transcript NM_015046.7 (MANE Select); coding-DNA position 22, A replaced by G.
Protein change: p.Thr8Ala; replaces threonine 8 with alanine.
Molecular consequence: missense variant.
Genome position (GRCh38, 1-based): chr9:132,349,407, T>C on the plus strand (A>G on the coding strand, the complement: SETX is on the minus strand). VCF-style: chr9-132349407-T-C. GRCh37 (hg19) VCF-style: chr9-135224794-T-C.
Other names: c.22A>G, p.Thr8Ala (NM_001351527.2, NM_001351528.2); short protein forms T8A.
Identifiers: ClinVar variation 4788073 (VCV004788073.1).